The following is an entry in ClinVar:

NM_025114.4(CEP290):c.3037G>A (p.Glu1013Lys)

Gene: CEP290 (centrosomal protein 290; minus strand). Cytogenetic location: 12q21.32.
Variant type: single nucleotide variant.
Coding change: c.3037G>A on transcript NM_025114.4 (MANE Select); coding-DNA position 3037, G replaced by A.
Protein change: p.Glu1013Lys; replaces glutamic acid 1013 with lysine.
Molecular consequence: missense variant.
Genome position (GRCh38, 1-based): chr12:88,096,954, C>T on the plus strand (G>A on the coding strand, the complement: CEP290 is on the minus strand). VCF-style: chr12-88096954-C-T. GRCh37 (hg19) VCF-style: chr12-88490731-C-T.
Other names: short protein forms E1013K.
Identifiers: ClinVar variation 2122572 (VCV002122572.1), dbSNP rs2500374573, ClinGen allele CA386007080.

ClinVar aggregate classification (germline): Uncertain significance (1 of 4 stars; one submission).

Conditions:
Joubert syndrome. Also called: CEREBELLOPARENCHYMAL DISORDER IV; JOUBERT-BOLTSHAUSER SYNDROME; Familial aplasia of the vermis. Identifiers: Orphanet 475, MedGen C5979921, MONDO:0018772.
Nephronophthisis. Also called: Juvenile Nephronophthisis. Identifiers: Orphanet 655, MedGen C0687120, MONDO:0019005, HP:0000090.
Meckel-Gruber syndrome. Also called: DYSENCEPHALIA SPLANCHNOCYSTICA; GRUBER SYNDROME; Dysencephalia splachnocystica. Identifiers: Orphanet 564, MedGen C0265215, MONDO:0018921.

Submission:

Labcorp Genetics (formerly Invitae), Labcorp
Classification: Uncertain significance for Joubert syndrome; Meckel-Gruber syndrome; Nephronophthisis. Last evaluated: 2022-08-08. Review status: criteria provided, single submitter. Criteria: Invitae Variant Classification Sherloc (09022015). Collection method: clinical testing. Allele origin: germline.
Comment: This sequence change replaces glutamic acid, which is acidic and polar, with lysine, which is basic and polar, at codon 1013 of the CEP290 protein (p.Glu1013Lys). This variant is not present in population databases (gnomAD no frequency). This variant has not been reported in the literature in individuals affected with CEP290-related conditions. Algorithms developed to predict the effect of missense changes on protein structure and function are either unavailable or do not agree on the potential impact of this missense change (SIFT: "Deleterious"; PolyPhen-2: "Possibly Damaging"; Align-GVGD: "Class C0"). In summary, the available evidence is currently insufficient to determine the role of this variant in disease. Therefore, it has been classified as a Variant of Uncertain Significance.